The following is an entry in ClinVar:

ClinVar aggregate classification (germline): Likely benign. Review status: criteria provided, multiple submitters, no conflicts (2 of 4 stars). 2 submissions from 2 submitters: Likely benign (2). Last evaluated 2026-05-11.

Conditions:
Neurofibromatosis, type 1 (NF1). Also called: VON RECKLINGHAUSEN DISEASE; NEUROFIBROMATOSIS, TYPE I, SOMATIC; Neurofibromatosis, type I; Peripheral type neurofibromatosis. Identifiers: Orphanet 636, MedGen C0027831, MONDO:0018975, OMIM 162200. Disease mechanism: loss of function.

Allele frequency attached by ClinVar (database versions not stated): TOPMed 0.00004; gnomAD 0.00002 and 0.00001.
gnomAD v4.1: 6 of 1,613,498 alleles (0.00037%); highest among the groups gnomAD compares: African/African-American, 0.008%; no homozygotes.

Submissions (2):

Myriad Genetics, Inc.
Classification: Likely benign for Neurofibromatosis, type 1. Last evaluated: 2026-05-11. Review status: criteria provided, single submitter. Criteria: Myriad Autosomal Dominant, Autosomal Recessive and X-Linked Classification Criteria (2023). Collection method: clinical testing. Allele origin: unknown.
Comment: This variant is considered likely benign. This variant is intronic and is not expected to impact mRNA splicing.

Labcorp Genetics (formerly Invitae), Labcorp
Classification: Likely benign for Neurofibromatosis, type 1. Last evaluated: 2026-01-09. Review status: criteria provided, single submitter. Criteria: Invitae Variant Classification Sherloc (09022015). Collection method: clinical testing. Allele origin: germline.

NM_001042492.3(NF1):c.889-11G>A

Gene: NF1 (neurofibromin 1; plus strand). Cytogenetic location: 17q11.2.
Variant type: single nucleotide variant.
Coding change: c.889-11G>A on transcript NM_001042492.3 (MANE Select); 11 bases into the intron before coding-DNA position 889, G replaced by A.
Molecular consequence: intron variant.
Genome position (GRCh38, 1-based): chr17:31,200,411, G>A. VCF-style: chr17-31200411-G-A. GRCh37 (hg19) VCF-style: chr17-29527429-G-A.
Other names: c.889-11G>A (NM_000267.4, NM_001128147.3).
Identifiers: ClinVar variation 1648337 (VCV001648337.9), dbSNP rs1361582007, ClinGen allele CA625780490.